The following is an entry in ClinVar:

NM_001142800.2(EYS):c.1545C>T (p.Asn515=)

Gene: EYS (EGF-like photoreceptor maintenance factor; minus strand). Cytogenetic location: 6q12.
Variant type: single nucleotide variant.
Coding change: c.1545C>T on transcript NM_001142800.2 (MANE Select); coding-DNA position 1545, C replaced by T.
Protein change: p.Asn515=; no amino-acid change (asparagine 515 retained).
Molecular consequence: synonymous variant.
Genome position (GRCh38, 1-based): chr6:65,344,092, G>A on the plus strand (C>T on the coding strand, the complement: EYS is on the minus strand). VCF-style: chr6-65344092-G-A. GRCh37 (hg19) VCF-style: chr6-66053985-G-A.
Other names: c.1545C>T (NM_001142800.1); c.1545C>T, p.Asn515= (NM_001142801.2, NM_001292009.2, NM_198283.2).
Identifiers: ClinVar variation 1151161 (VCV001151161.11), dbSNP rs767589543, ClinGen allele CA3877707.

ClinVar aggregate classification (germline): Likely benign. Review status: criteria provided, multiple submitters, no conflicts (2 of 4 stars). 3 submissions from 3 submitters: Likely benign (3). Last evaluated 2025-09-05.

Conditions:
EYS-related disorder. Also called: EYS-related condition.

Allele frequency attached by ClinVar (database versions not stated): gnomAD 0.00001; TOPMed 0.00002.
gnomAD v4.1: 15 of 1,610,286 alleles (0.00093%); highest among the groups gnomAD compares: East Asian, 0.0045%; no homozygotes.

Submissions (3):

PreventionGenetics, part of Exact Sciences
Classification: Likely benign for EYS-related condition. Last evaluated: 2025-09-05. Review status: criteria provided, single submitter. Criteria: ACMG Guidelines, 2015. Collection method: clinical testing. Allele origin: germline.
Comment: This variant is classified as likely benign based on ACMG/AMP sequence variant interpretation guidelines (Richards et al. 2015 PMID: 25741868, with internal and published modifications).

Labcorp Genetics (formerly Invitae), Labcorp
Classification: Likely benign. Last evaluated: 2025-06-03. Review status: criteria provided, single submitter. Criteria: Invitae Variant Classification Sherloc (09022015). Collection method: clinical testing. Allele origin: germline.

Blueprint Genetics
Classification: Likely benign. Last evaluated: 2021-11-22. Review status: criteria provided, single submitter. Criteria: ACMG Guidelines, 2015. Collection method: clinical testing. Allele origin: germline.